The following is an entry in ClinVar:

ClinVar aggregate classification (germline): Likely benign. Review status: criteria provided, single submitter (1 of 4 stars). 2 submissions from 2 submitters: Likely benign (1). 1 of the submissions does not count toward it. Last evaluated 2025-05-19.

Conditions:
INPP5E-related disorder. Also called: INPP5E-related condition.
Joubert syndrome. Also called: CEREBELLOPARENCHYMAL DISORDER IV; JOUBERT-BOLTSHAUSER SYNDROME; Familial aplasia of the vermis. Identifiers: Orphanet 475, MedGen C5979921, MONDO:0018772.

Allele frequency attached by ClinVar (database versions not stated): gnomAD 0.00001; TOPMed 0.00002; ESP Exome Variant Server 0.00008.

Submissions (2):

Labcorp Genetics (formerly Invitae), Labcorp
Classification: Likely benign for Joubert syndrome. Last evaluated: 2025-05-19. Review status: criteria provided, single submitter. Criteria: Invitae Variant Classification Sherloc (09022015). Collection method: clinical testing. Allele origin: germline.

PreventionGenetics, part of Exact Sciences
Classification: Likely benign for INPP5E-related condition. Last evaluated: 2024-04-06. Review status: no assertion criteria provided. Collection method: clinical testing. Allele origin: germline. Not counted in ClinVar's aggregate classification.
Comment: This variant is classified as likely benign based on ACMG/AMP sequence variant interpretation guidelines (Richards et al. 2015 PMID: 25741868, with internal and published modifications).

NM_019892.6(INPP5E):c.997C>T (p.Leu333=)

Gene: INPP5E (inositol polyphosphate-5-phosphatase E; minus strand). Cytogenetic location: 9q34.3.
Variant type: single nucleotide variant.
Coding change: c.997C>T on transcript NM_019892.6 (MANE Select); coding-DNA position 997, C replaced by T.
Protein change: p.Leu333=; no amino-acid change (leucine 333 retained).
Molecular consequence: synonymous variant.
Genome position (GRCh38, 1-based): chr9:136,434,074, G>A on the plus strand (C>T on the coding strand, the complement: INPP5E is on the minus strand). VCF-style: chr9-136434074-G-A. GRCh37 (hg19) VCF-style: chr9-139328526-G-A.
Other names: c.997C>T, p.Leu333= (NM_001318502.2); c.997C>T (NM_019892.5).
Identifiers: ClinVar variation 695161 (VCV000695161.12), dbSNP rs151090087, ClinGen allele CA5336999.